The following is an entry in ClinVar:

ClinVar aggregate classification (germline): Uncertain significance. Review status: criteria provided, multiple submitters, no conflicts (2 of 4 stars). 2 submissions from 2 submitters: Uncertain significance (2). Last evaluated 2025-09-10.

Conditions:
TMEM165-congenital disorder of glycosylation. Also called: TMEM165-CDG; Congenital disorder of glycosylation type 2k; CDG IIk. Identifiers: Orphanet 314667, MedGen C3553571, MONDO:0013870, OMIM 614727.

Allele frequency attached by ClinVar (database versions not stated): ExAC 0.00001; gnomAD 0.00004; ESP Exome Variant Server 0.00008; TOPMed 0.00010.
gnomAD v4.1: 25 of 1,613,240 alleles (0.0015%); highest among the groups gnomAD compares: African/African-American, 0.015%; no homozygotes.

Submissions (2):

Ambry Genetics
Classification: Uncertain significance. Last evaluated: 2025-09-10. Review status: criteria provided, single submitter. Criteria: Ambry Variant Classification Scheme 2023. Collection method: clinical testing. Allele origin: germline.

Labcorp Genetics (formerly Invitae), Labcorp
Classification: Uncertain significance for TMEM165-congenital disorder of glycosylation. Last evaluated: 2022-10-19. Review status: criteria provided, single submitter. Criteria: Invitae Variant Classification Sherloc (09022015). Collection method: clinical testing. Allele origin: germline.
Comment: This sequence change replaces alanine, which is neutral and non-polar, with valine, which is neutral and non-polar, at codon 310 of the TMEM165 protein (p.Ala310Val). This variant is present in population databases (rs75361734, gnomAD 0.01%). This variant has not been reported in the literature in individuals affected with TMEM165-related conditions. Advanced modeling of protein sequence and biophysical properties (such as structural, functional, and spatial information, amino acid conservation, physicochemical variation, residue mobility, and thermodynamic stability) performed at Invitae indicates that this missense variant is not expected to disrupt TMEM165 protein function. In summary, the available evidence is currently insufficient to determine the role of this variant in disease. Therefore, it has been classified as a Variant of Uncertain Significance.

NM_018475.5(TMEM165):c.929C>T (p.Ala310Val)

Gene: TMEM165 (transmembrane protein 165; plus strand). Cytogenetic location: 4q12.
Variant type: single nucleotide variant.
Coding change: c.929C>T on transcript NM_018475.5 (MANE Select); coding-DNA position 929, C replaced by T.
Protein change: p.Ala310Val; replaces alanine 310 with valine.
Molecular consequence: missense variant. On other transcripts: non-coding transcript variant (1).
Genome position (GRCh38, 1-based): chr4:55,425,406, C>T. VCF-style: chr4-55425406-C-T. GRCh37 (hg19) VCF-style: chr4-56291573-C-T.
Other names: c.929C>T (NM_018475.3); short protein forms A310V.
Identifiers: ClinVar variation 2169281 (VCV002169281.2), dbSNP rs75361734, ClinGen allele CA2925633.
Genomic context (GRCh38, chr4:55,425,406, plus strand): 5'-TGTATTTGACTTTTTTTCTCTCTCTTCCAGTGACAATCATAGGAGGCATCGTTTTTTTGG[C>T]GTTTGCATTTTCTGCACTATTTATAAGCCCTGATTCTGGTTTTTAACAAGCTGTTTGTTC-3'
Protein context (NP_060945.2, residues 300-320): VTIIGGIVFL[Ala310Val]FAFSALFISP